The following is an entry in ClinVar:

NM_001197104.2(KMT2A):c.7003G>T (p.Ala2335Ser)

Gene: KMT2A (lysine methyltransferase 2A; plus strand). Cytogenetic location: 11q23.3.
Variant type: single nucleotide variant.
Coding change: c.7003G>T on transcript NM_001197104.2 (MANE Select); coding-DNA position 7003, G replaced by T.
Protein change: p.Ala2335Ser; replaces alanine 2335 with serine.
Molecular consequence: missense variant.
Genome position (GRCh38, 1-based): chr11:118,502,895, G>T. VCF-style: chr11-118502895-G-T. GRCh37 (hg19) VCF-style: chr11-118373610-G-T.
Other names: c.7093G>T, p.Ala2365Ser (NM_001412597.1); c.6994G>T, p.Ala2332Ser (NM_005933.4); short protein forms A2335S, A2365S, A2332S.
Identifiers: ClinVar variation 3634336 (VCV003634336.2).

ClinVar aggregate classification (germline): Uncertain significance (1 of 4 stars; one submission).

gnomAD v4.1: 1 of 1,614,106 alleles (0.000062%); highest among the groups gnomAD compares: Non-Finnish European, 0.000085%; no homozygotes.

Submission:

Labcorp Genetics (formerly Invitae), Labcorp
Classification: Uncertain significance. Last evaluated: 2024-08-28. Review status: criteria provided, single submitter. Criteria: Invitae Variant Classification Sherloc (09022015). Collection method: clinical testing. Allele origin: germline.
Comment: This sequence change replaces alanine, which is neutral and non-polar, with serine, which is neutral and polar, at codon 2335 of the KMT2A protein (p.Ala2335Ser). This variant is not present in population databases (gnomAD no frequency). This variant has not been reported in the literature in individuals affected with KMT2A-related conditions. Invitae Evidence Modeling of protein sequence and biophysical properties (such as structural, functional, and spatial information, amino acid conservation, physicochemical variation, residue mobility, and thermodynamic stability) indicates that this missense variant is not expected to disrupt KMT2A protein function with a negative predictive value of 95%. In summary, the available evidence is currently insufficient to determine the role of this variant in disease. Therefore, it has been classified as a Variant of Uncertain Significance.